The following is an entry in ClinVar:

NM_001077418.3(TMEM231):c.8T>A (p.Leu3His)

Gene: TMEM231 (transmembrane protein 231; minus strand). Cytogenetic location: 16q23.1.
Variant type: single nucleotide variant.
Coding change: c.8T>A on transcript NM_001077418.3 (MANE Select); coding-DNA position 8, T replaced by A.
Protein change: p.Leu3His; replaces leucine 3 with histidine.
Molecular consequence: missense variant. On other transcripts: non-coding transcript variant (1).
Genome position (GRCh38, 1-based): chr16:75,556,202, A>T on the plus strand (T>A on the coding strand, the complement: TMEM231 is on the minus strand). VCF-style: chr16-75556202-A-T. GRCh37 (hg19) VCF-style: chr16-75590100-A-T.
Other names: c.70T>A, p.Ser24Thr (NM_001077416.2); short protein forms L3H, S24T.
Identifiers: ClinVar variation 1386381 (VCV001386381.5), dbSNP rs753292136, ClinGen allele CA8176320.

ClinVar aggregate classification (germline): Uncertain significance (1 of 4 stars; one submission).

Conditions:
Joubert syndrome 20 (JBTS20). Identifiers: Orphanet 475, MedGen C3554235, MONDO:0013994, OMIM 614970.
Meckel syndrome, type 11 (MKS11). Identifiers: Orphanet 564, MedGen C3809352, MONDO:0014164, OMIM 615397.

Allele frequency attached by ClinVar (database versions not stated): gnomAD exomes 0.00001; gnomAD 0.00003 and 0.00004; ExAC 0.00004; TOPMed 0.00006.
gnomAD v4.1: 18 of 1,458,724 alleles (0.0012%); highest among the groups gnomAD compares: Admixed American, 0.018%; no homozygotes.

Submission:

Labcorp Genetics (formerly Invitae), Labcorp
Classification: Uncertain significance for Joubert syndrome 20; Meckel syndrome, type 11. Last evaluated: 2022-09-01. Review status: criteria provided, single submitter. Criteria: Invitae Variant Classification Sherloc (09022015). Collection method: clinical testing. Allele origin: germline.
Comment: This sequence change replaces serine, which is neutral and polar, with threonine, which is neutral and polar, at codon 24 of the TMEM231 protein (p.Ser24Thr). The frequency data for this variant in the population databases is considered unreliable, as metrics indicate poor data quality at this position in the gnomAD database. This variant has not been reported in the literature in individuals affected with TMEM231-related conditions. ClinVar contains an entry for this variant (Variation ID: 1386381). Algorithms developed to predict the effect of missense changes on protein structure and function are either unavailable or do not agree on the potential impact of this missense change (SIFT: "Deleterious"; PolyPhen-2: "Not Available"; Align-GVGD: "Class C0"). In summary, the available evidence is currently insufficient to determine the role of this variant in disease. Therefore, it has been classified as a Variant of Uncertain Significance.